The following is an entry in ClinVar:

NM_000543.5(SMPD1):c.26G>T (p.Arg9Leu)

Genes: SMPD1 (sphingomyelin phosphodiesterase 1; plus strand), LOC130005193 (ATAC-STARR-seq lymphoblastoid silent region 3099; plus strand). Cytogenetic location: 11p15.4.
Variant type: single nucleotide variant.
Coding change: c.26G>T on transcript NM_000543.5 (MANE Select); coding-DNA position 26, G replaced by T.
Protein change: p.Arg9Leu; replaces arginine 9 with leucine.
Molecular consequence: missense variant. On other transcripts: 5 prime UTR variant (1), non-coding transcript variant (2).
Genome position (GRCh38, 1-based): chr11:6,390,624, G>T. VCF-style: chr11-6390624-G-T. GRCh37 (hg19) VCF-style: chr11-6411854-G-T.
Other names: c.26G>T, p.Arg9Leu (NM_001007593.3, NM_001318087.2, NM_001365135.2); c.-936G>T (NM_001318088.2); c.26G>T (NM_000543.4); short protein forms R9L.
Identifiers: ClinVar variation 991121 (VCV000991121.2), dbSNP rs373013062, ClinGen allele CA5852455.

ClinVar aggregate classification (germline): Uncertain significance. Review status: criteria provided, single submitter (1 of 4 stars). 2 submissions from 2 submitters: Uncertain significance (1). 1 of the submissions does not count toward it. Last evaluated 2025-11-10.

Conditions:
Inborn genetic diseases. Identifiers: MedGen C0950123, MeSH D030342.
Sphingomyelin/cholesterol lipidosis. Also called: Niemann-Pick disease. Identifiers: MedGen C0028064, MONDO:0001982.

Allele frequency attached by ClinVar (database versions not stated): TOPMed 0.00001; ESP Exome Variant Server 0.00008; ExAC below 0.00001; gnomAD 0.00001.
gnomAD v4.1: 6 of 1,612,654 alleles (0.00037%); highest among the groups gnomAD compares: Middle Eastern, 0.016%; no homozygotes.

Submissions (2):

Ambry Genetics
Classification: Uncertain significance for Inborn genetic diseases. Last evaluated: 2025-11-10. Review status: criteria provided, single submitter. Criteria: Ambry Variant Classification Scheme 2023. Collection method: clinical testing. Allele origin: germline.
Comment: The p.R9L variant (also known as c.26G>T), located in coding exon 1 of the SMPD1 gene, results from a G to T substitution at nucleotide position 26. The arginine at codon 9 is replaced by leucine, an amino acid with dissimilar properties. This amino acid position is conserved. In addition, this alteration is predicted to be tolerated by in silico analysis. Based on the available evidence, the clinical significance of this variant remains unclear.

Natera, Inc.
Classification: Uncertain significance for Acid sphingomyelinase deficiency. Last evaluated: 2020-04-14. Review status: no assertion criteria provided. Collection method: clinical testing. Allele origin: germline. Not counted in ClinVar's aggregate classification.